The following is an entry in ClinVar:

ClinVar aggregate classification (germline): Pathogenic. Review status: criteria provided, multiple submitters, no conflicts (2 of 4 stars). 3 submissions from 3 submitters: Pathogenic (3). Last evaluated 2024-04-07.

Conditions:
Neurofibromatosis, type 1 (NF1). Also called: Neurofibromatosis, type I; VON RECKLINGHAUSEN DISEASE; NEUROFIBROMATOSIS, TYPE I, SOMATIC; Peripheral type neurofibromatosis. Identifiers: Orphanet 636, MedGen C0027831, MONDO:0018975, OMIM 162200. Disease mechanism: loss of function.

Submissions (3):

Labcorp Genetics (formerly Invitae), Labcorp
Classification: Pathogenic for Neurofibromatosis, type 1. Last evaluated: 2024-04-07. Review status: criteria provided, single submitter. Criteria: Invitae Variant Classification Sherloc (09022015). Collection method: clinical testing. Allele origin: germline.
Comment: This sequence change creates a premature translational stop signal (p.Lys1062Asnfs*15) in the NF1 gene. It is expected to result in an absent or disrupted protein product. Loss-of-function variants in NF1 are known to be pathogenic (PMID: 10712197, 23913538). This variant is not present in population databases (gnomAD no frequency). This premature translational stop signal has been observed in individual(s) with neurofibromatosis, type 1 (PMID: 21354044). ClinVar contains an entry for this variant (Variation ID: 996427). For these reasons, this variant has been classified as Pathogenic.

Genome-Nilou Lab
Classification: Pathogenic for Neurofibromatosis, type 1. Last evaluated: 2022-03-15. Review status: criteria provided, single submitter. Criteria: ACMG Guidelines, 2015. Collection method: clinical testing. Allele origin: germline. Affected: no.

Genome Diagnostics Laboratory, The Hospital for Sick Children
Classification: Pathogenic for Neurofibromatosis, type 1. Last evaluated: 2020-10-26. Review status: criteria provided, single submitter. Criteria: ACMG Guidelines, 2015. Collection method: clinical testing. Allele origin: germline. Affected: yes.

Literature cited by the submitters: PubMed 10712197 (cited by Labcorp Genetics (formerly Invitae), Labcorp); PubMed 23913538 (cited by Labcorp Genetics (formerly Invitae), Labcorp); PubMed 21354044 (cited by Labcorp Genetics (formerly Invitae), Labcorp).

NM_001042492.3(NF1):c.3186del (p.Lys1062fs)

Gene: NF1 (neurofibromin 1; plus strand). Cytogenetic location: 17q11.2.
Variant type: Deletion.
Coding change: c.3186del on transcript NM_001042492.3 (MANE Select); coding-DNA position 3186, one base deleted (A; older notation c.3186delA).
Protein change: p.Lys1062fs; shifts the reading frame from lysine 1062.
Molecular consequence: frameshift variant.
Genome position (GRCh38, 1-based): chr17:31,230,914, A deleted; the last of 4 consecutive A bases (chr17:31,230,911-31,230,914); deleting any one gives the same sequence. VCF-style (leftmost placement, unchanged base first): chr17-31230910-TA-T. GRCh37 (hg19) VCF-style: chr17-29557928-TA-T.
Other names: c.3186delA (NM_000267.3); c.3186delA, p.Lys1062Asnfs (NM_000267.4); short protein forms K1062fs.
Identifiers: ClinVar variation 996427 (VCV000996427.10), dbSNP rs1597717672, ClinGen allele CA2255567748.